The following is an entry in ClinVar:

NM_000179.3(MSH6):c.3577_3581del (p.Glu1193fs)

Gene: MSH6 (mutS homolog 6; plus strand). Cytogenetic location: 2p16.3.
Variant type: Deletion.
Coding change: c.3577_3581del on transcript NM_000179.3 (MANE Select); coding-DNA positions 3577 to 3581, 5 bases deleted (GAATT; older notation c.3577_3581delGAATT).
Protein change: p.Glu1193fs; shifts the reading frame from glutamic acid 1193.
Molecular consequence: frameshift variant.
Genome position (GRCh38, 1-based): chr2:47,805,638-47,805,642, GAATT deleted; deleting any 5 consecutive bases within chr2:47,805,636-47,805,642 gives the same sequence; the c. name uses the placement nearest the transcript's 3' end. VCF-style (leftmost placement, unchanged base first): chr2-47805635-GTTGAA-G. GRCh37 (hg19) VCF-style: chr2-48032774-GTTGAA-G.
Other names: c.3577_3581delGAATT (NM_000179.3, NM_000179.2); c.3187_3191del, p.Glu1063fs (NM_001281492.2); c.2671_2675del, p.Glu891fs (NM_001281493.2, NM_001281494.2); c.3575_3579delTTGAA (NM_000179.2); short protein forms E1063fs, E1193fs, E891fs.
Identifiers: ClinVar variation 410404 (VCV000410404.18), dbSNP rs1060502881, ClinGen allele CA16611172.

ClinVar aggregate classification (germline): Pathogenic/Likely pathogenic. Review status: criteria provided, multiple submitters, no conflicts (2 of 4 stars). 7 submissions from 7 submitters: Pathogenic (6); Likely pathogenic (1). Last evaluated 2026-03-24.

Conditions:
Endometrial carcinoma. Also called: Endometrial carcinoma, somatic. Identifiers: MedGen C0476089, MONDO:0002447, OMIM 608089, HP:0012114.
Lynch syndrome 5 (LYNCH5). Also called: Colorectal cancer, hereditary nonpolyposis, type 5; Hereditary non-polyposis colorectal cancer, type 5. Identifiers: Orphanet 144, MedGen C1833477, MONDO:0013710, OMIM 614350. Disease mechanism: loss of function.
Hereditary cancer-predisposing syndrome. Also called: Tumor predisposition; Hereditary neoplastic syndrome; Neoplastic Syndromes, Hereditary; Hereditary Cancer Syndrome. Identifiers: Orphanet 140162, MedGen C0027672, MeSH D009386, MONDO:0015356.
Hereditary nonpolyposis colon cancer (HNPCC). Also called: Hereditary nonpolyposis colorectal cancer; Familial nonpolyposis colon cancer; Hereditary Nonpolyposis Colorectal Cancer Syndrome. Identifiers: Orphanet 443909, MedGen C1333990, MONDO:0018630. Disease mechanism: loss of function.
Hereditary nonpolyposis colorectal neoplasms. Identifiers: MedGen C0009405, MeSH D003123.

Submissions (7):

Women's Health and Genetics/Laboratory Corporation of America, LabCorp
Classification: Pathogenic for Hereditary nonpolyposis colon cancer. Last evaluated: 2026-03-24. Review status: criteria provided, single submitter. Criteria: LabCorp Variant Classification Summary - May 2015. Collection method: clinical testing. Allele origin: germline.
Comment: Variant summary: MSH6 c.3577_3581delGAATT (p.Glu1193LysfsX2) results in a premature termination codon, predicted to cause absence of the protein due to nonsense mediated decay, which is a commonly known mechanism for disease. The variant was absent in 251392 control chromosomes. c.3577_3581delGAATT has been observed in individual(s) affected with Lynch Syndrome (examples, Lilyquist_2017, Ravichandran_2019). To our knowledge, no experimental evidence demonstrating an impact on protein function has been reported. The following publications have been ascertained in the context of this evaluation (PMID: 28888541, 30787465). ClinVar contains an entry for this variant (Variation ID: 410404). Based on the evidence outlined above, the variant was classified as pathogenic.

GeneDx
Classification: Pathogenic. Last evaluated: 2023-12-12. Review status: criteria provided, single submitter. Criteria: GeneDx Variant Classification Process June 2021. Collection method: clinical testing. Allele origin: germline. Affected: yes.
Comment: Frameshift variant predicted to result in protein truncation or nonsense mediated decay in a gene for which loss of function is a known mechanism of disease; Truncating variants in this gene are considered pathogenic by a well-established clinical consortium and/or database; Not observed at significant frequency in large population cohorts (gnomAD); This variant is associated with the following publications: (PMID: 29345684, 30787465, 36230473, 28888541)

Labcorp Genetics (formerly Invitae), Labcorp
Classification: Pathogenic for Hereditary nonpolyposis colorectal neoplasms. Last evaluated: 2023-08-28. Review status: criteria provided, single submitter. Criteria: Invitae Variant Classification Sherloc (09022015). Collection method: clinical testing. Allele origin: germline.
Comment: For these reasons, this variant has been classified as Pathogenic. ClinVar contains an entry for this variant (Variation ID: 410404). This variant has not been reported in the literature in individuals affected with MSH6-related conditions. This variant is not present in population databases (gnomAD no frequency). This sequence change creates a premature translational stop signal (p.Glu1193Lysfs*2) in the MSH6 gene. It is expected to result in an absent or disrupted protein product. Loss-of-function variants in MSH6 are known to be pathogenic (PMID: 18269114, 24362816).

Myriad Genetics, Inc.
Classification: Pathogenic for Lynch syndrome 5. Last evaluated: 2023-08-24. Review status: criteria provided, single submitter. Criteria: Myriad Autosomal Dominant, Autosomal Recessive and X-Linked Classification Criteria (2023). Collection method: clinical testing. Allele origin: unknown.
Comment: This variant is considered pathogenic. This variant creates a frameshift predicted to result in premature protein truncation.

Institute for Genomic Medicine (IGM) Clinical Laboratory, Nationwide Children's Hospital
Classification: Pathogenic for Hereditary cancer-predisposing syndrome. Last evaluated: 2022-11-07. Review status: criteria provided, single submitter. Criteria: ACMG Guidelines, 2015. Collection method: clinical testing. Allele origin: germline.
Comment: This variant is predicted to result in loss of function through nonsense-mediated decay of the encoded transcript or premature truncation of the encoded protein in a gene in which loss of function is a known mechanism of disease (ACMG/AMP: PVS1; PMIDs:26552419, 28874130). This variant has been reported at an elevated frequency in affected individuals/in multiple affected individuals in the literature (ACMG/AMP: PS4_Supporting; PMID:36230473). This variant is absent from or present at an exceedingly low frequency in gnomAD, a large-scale control population database (ACMG/AMP: PM2).

Baylor Genetics
Classification: Likely pathogenic for Endometrial carcinoma. Last evaluated: 2021-10-11. Review status: criteria provided, single submitter. Criteria: ACMG Guidelines, 2015. Collection method: clinical testing. Allele origin: unknown.

Ambry Genetics
Classification: Pathogenic for Hereditary cancer-predisposing syndrome. Last evaluated: 2013-11-27. Review status: criteria provided, single submitter. Criteria: Ambry Autosomal Dominant and X-Linked criteria (10/2015). Collection method: clinical testing. Allele origin: germline. Observed: 1 variant allele.
Comment: Ã¢â‚¬â€¹The c.3575_3579delTTGAA pathogenic mutation, located in coding exon 7 of the MSH6 gene, results from a deletion of 5 nucleotides between positions 3575 and 3579, causing a translational frameshift with a predicted alternate stop codon. Since frameshifts are typically deleterious in nature, this alteration is interpreted as a disease-causing mutation (ACMG Recommendations for Standards for Interpretation and Reporting of Sequence Variations. Revision 2007. Genet Med. 2008;10:294).

Literature cited by the submitters: PubMed 30787465 (cited by Women's Health and Genetics/Laboratory Corporation of America, LabCorp); PubMed 28888541 (cited by Women's Health and Genetics/Laboratory Corporation of America, LabCorp); PubMed 18269114 (cited by Labcorp Genetics (formerly Invitae), Labcorp); PubMed 24362816 (cited by Labcorp Genetics (formerly Invitae), Labcorp); PubMed 26552419 (cited by Institute for Genomic Medicine (IGM) Clinical Laboratory, Nationwide Children's Hospital); PubMed 28874130 (cited by Institute for Genomic Medicine (IGM) Clinical Laboratory, Nationwide Children's Hospital); PubMed 36230473 (cited by Institute for Genomic Medicine (IGM) Clinical Laboratory, Nationwide Children's Hospital).